The following is an entry in ClinVar:

NM_001005373.4(LRSAM1):c.2069G>A (p.Cys690Tyr)

Gene: LRSAM1 (leucine rich repeat and sterile alpha motif containing 1; plus strand). Cytogenetic location: 9q34.11.
Variant type: single nucleotide variant.
Coding change: c.2069G>A on transcript NM_001005373.4 (MANE Select); coding-DNA position 2069, G replaced by A.
Protein change: p.Cys690Tyr; replaces cysteine 690 with tyrosine.
Molecular consequence: missense variant. On other transcripts: non-coding transcript variant (2).
Genome position (GRCh38, 1-based): chr9:127,502,796, G>A. VCF-style: chr9-127502796-G-A. GRCh37 (hg19) VCF-style: chr9-130265075-G-A.
Other names: c.2069G>A, p.Cys690Tyr (NM_001005374.4, NM_001384142.1, NM_138361.5); c.1988G>A, p.Cys663Tyr (NM_001190723.3); c.1970G>A, p.Cys657Tyr (NM_001384143.1); c.1280G>A, p.Cys427Tyr (NM_001384144.1); short protein forms C657Y, C663Y, C690Y, C427Y.
Identifiers: ClinVar variation 1388025 (VCV001388025.6), dbSNP rs2132133792, ClinGen allele CA374938584.
Genomic context (GRCh38, chr9:127,502,796, plus strand): 5'-GGTAGGGCCAGCCACATGCTCCCGCTCTCCCTCCCCAGGCCCAGATGATCTTCCTCAACT[G>A]TGGCCACGTCTGCTGCTGCCAGCAGTGCTGCCAGCCACTGCGCACCTGCCCGCTGTGCCG-3'
Protein context (NP_001005373.1, residues 680-700): EREAQMIFLN[Cys690Tyr]GHVCCCQQCC

ClinVar aggregate classification (germline): Uncertain significance (1 of 4 stars; one submission).

Conditions:
Charcot-Marie-Tooth disease axonal type 2P. Also called: Charcot-Marie-Tooth Neuropathy Type 2G; CHARCOT-MARIE-TOOTH NEUROPATHY, TYPE 2P; CHARCOT-MARIE-TOOTH DISEASE, AXONAL, TYPE 2G; CMT 2G. Identifiers: Orphanet 300319, Orphanet 99941, MedGen C3280797, MONDO:0013753, OMIM 614436.

Submission:

Labcorp Genetics (formerly Invitae), Labcorp
Classification: Uncertain significance for Charcot-Marie-Tooth disease axonal type 2P. Last evaluated: 2022-07-06. Review status: criteria provided, single submitter. Criteria: Invitae Variant Classification Sherloc (09022015). Collection method: clinical testing. Allele origin: germline.
Comment: In summary, the available evidence is currently insufficient to determine the role of this variant in disease. Therefore, it has been classified as a Variant of Uncertain Significance. Algorithms developed to predict the effect of missense changes on protein structure and function (SIFT, PolyPhen-2, Align-GVGD) all suggest that this variant is likely to be disruptive. ClinVar contains an entry for this variant (Variation ID: 1388025). This variant has not been reported in the literature in individuals affected with LRSAM1-related conditions. This variant is not present in population databases (gnomAD no frequency). This sequence change replaces cysteine, which is neutral and slightly polar, with tyrosine, which is neutral and polar, at codon 690 of the LRSAM1 protein (p.Cys690Tyr).